The following is an entry in ClinVar:

NM_144670.6(A2ML1):c.3650A>C (p.Lys1217Thr)

Gene: A2ML1 (alpha-2-macroglobulin like 1; plus strand). Cytogenetic location: 12p13.31.
Variant type: single nucleotide variant.
Coding change: c.3650A>C on transcript NM_144670.6 (MANE Select); coding-DNA position 3650, A replaced by C.
Protein change: p.Lys1217Thr; replaces lysine 1217 with threonine.
Molecular consequence: missense variant.
Genome position (GRCh38, 1-based): chr12:8,863,941, A>C. VCF-style: chr12-8863941-A-C. GRCh37 (hg19) VCF-style: chr12-9016537-A-C.
Other names: c.2177A>C, p.Lys726Thr (NM_001282424.3); short protein forms K1217T, K726T.
Identifiers: ClinVar variation 4053294 (VCV004053294.1).

ClinVar aggregate classification (germline): Uncertain significance (1 of 4 stars; one submission).

gnomAD v4.1: 11 of 1,613,702 alleles (0.00068%); highest among the groups gnomAD compares: African/African-American, 0.0027%; no homozygotes.

Submission:

Ambry Genetics
Classification: Uncertain significance. Last evaluated: 2025-03-25. Review status: criteria provided, single submitter. Criteria: Ambry Variant Classification Scheme 2023. Collection method: clinical testing. Allele origin: germline.
Comment: The p.K1217T variant (also known as c.3650A>C), located in coding exon 29 of the A2ML1 gene, results from an A to C substitution at nucleotide position 3650. The lysine at codon 1217 is replaced by threonine, an amino acid with similar properties. This amino acid position is conserved. In addition, this alteration is predicted to be tolerated by in silico analysis. Based on the available evidence, the clinical significance of this variant remains unclear.